The following is an entry in ClinVar:

NM_170743.4(IFNLR1):c.449G>C (p.Cys150Ser)

Gene: IFNLR1 (interferon lambda receptor 1; minus strand). Cytogenetic location: 1p36.11.
Variant type: single nucleotide variant.
Coding change: c.449G>C on transcript NM_170743.4 (MANE Select); coding-DNA position 449, G replaced by C.
Protein change: p.Cys150Ser; replaces cysteine 150 with serine.
Molecular consequence: missense variant.
Genome position (GRCh38, 1-based): chr1:24,161,603, C>G on the plus strand (G>C on the coding strand, the complement: IFNLR1 is on the minus strand). VCF-style: chr1-24161603-C-G. GRCh37 (hg19) VCF-style: chr1-24488093-C-G.
Other names: c.449G>C, p.Cys150Ser (NM_173064.3, NM_173065.3); short protein forms C150S.
Identifiers: ClinVar variation 3054365 (VCV003054365.3), dbSNP rs141989044, ClinGen allele CA689618.
Genomic context (GRCh38, chr1:24,161,603, plus strand): 5'-TTGTTTCCGGCCCCCTCCTTCCAGAATGCCACCTCATACTTCAGATCCAGTGGGGGCATG[C>G]AGGGGGGCAGCTGGTACGTGGCATTGGCACTCAGGATCTCCTCCGTCTGGGTGAGCACCA-3'
Protein context (NP_734464.1, residues 140-160): SANATYQLPP[Cys150Ser]MPPLDLKYEV

ClinVar aggregate classification (germline): Uncertain significance. Review status: criteria provided, single submitter (1 of 4 stars). 2 submissions from 2 submitters: Uncertain significance (1). 1 of the submissions does not count toward it. Last evaluated 2024-05-26.

Conditions:
IFNLR1-related disorder. Also called: IFNLR1-related condition.

Allele frequency attached by ClinVar (database versions not stated): gnomAD exomes 0.00007; 1000 Genomes Project 30x 0.00031; 1000 Genomes Project 0.00040; ExAC 0.00046; ESP Exome Variant Server 0.00047.
gnomAD v4.1: 189 of 1,554,300 alleles (0.012%); highest among the groups gnomAD compares: African/African-American, 0.14%; no homozygotes.

Submissions (2):

Ambry Genetics
Classification: Uncertain significance. Last evaluated: 2024-05-26. Review status: criteria provided, single submitter. Criteria: Ambry Variant Classification Scheme 2023. Collection method: clinical testing. Allele origin: germline.

PreventionGenetics, part of Exact Sciences
Classification: Likely benign for IFNLR1-related condition. Last evaluated: 2022-06-14. Review status: no assertion criteria provided. Collection method: clinical testing. Allele origin: germline. Not counted in ClinVar's aggregate classification.
Comment: This variant is classified as likely benign based on ACMG/AMP sequence variant interpretation guidelines (Richards et al. 2015 PMID: 25741868, with internal and published modifications).